The following is an entry in ClinVar:

ClinVar aggregate classification (germline): Benign/Likely benign. Review status: criteria provided, multiple submitters, no conflicts (2 of 4 stars). 5 submissions from 5 submitters: Benign (1); Likely benign (2). 2 of the submissions do not count toward it. Last evaluated 2026-01-19.

Allele frequency attached by ClinVar (database versions not stated): gnomAD exomes 0.00045 and 0.00136; ExAC 0.00171; gnomAD 0.00528 and 0.00553; TOPMed 0.00577; ESP Exome Variant Server 0.00596; 1000 Genomes Project 30x 0.00718; 1000 Genomes Project 0.00739.

Submissions (5):

Labcorp Genetics (formerly Invitae), Labcorp
Classification: Benign. Last evaluated: 2026-01-19. Review status: criteria provided, single submitter. Criteria: Invitae Variant Classification Sherloc (09022015). Collection method: clinical testing. Allele origin: germline.

GeneDx
Classification: Likely benign. Last evaluated: 2022-06-25. Review status: criteria provided, single submitter. Criteria: GeneDx Variant Classification Process June 2021. Collection method: clinical testing. Allele origin: germline. Affected: yes.
Comment: See Variant Classification Assertion Criteria.

Center for Pediatric Genomic Medicine, Children's Mercy Hospital and Clinics
Classification: Likely benign. Last evaluated: 2017-05-04. Review status: criteria provided, single submitter. Criteria: ACMG Guidelines, 2015. Collection method: clinical testing. Allele origin: germline.

Clinical Genetics DNA and cytogenetics Diagnostics Lab, Erasmus MC, Erasmus Medical Center
Classification: Benign. Review status: no assertion criteria provided. Collection method: clinical testing. Allele origin: germline. Affected: yes. Study: VKGL Data-share Consensus. Not counted in ClinVar's aggregate classification.

Laboratory of Diagnostic Genome Analysis, Leiden University Medical Center (LUMC)
Classification: Likely benign. Review status: no assertion criteria provided. Collection method: clinical testing. Allele origin: germline. Affected: yes. Study: VKGL Data-share Consensus. Not counted in ClinVar's aggregate classification.

NM_003922.4(HERC1):c.4714T>G (p.Ser1572Ala)

Gene: HERC1 (HECT and RLD domain containing E3 ubiquitin protein ligase family member 1; minus strand). Cytogenetic location: 15q22.31.
Variant type: single nucleotide variant.
Coding change: c.4714T>G on transcript NM_003922.4 (MANE Select); coding-DNA position 4714, T replaced by G.
Protein change: p.Ser1572Ala; replaces serine 1572 with alanine.
Molecular consequence: missense variant.
Genome position (GRCh38, 1-based): chr15:63,698,919, A>C on the plus strand (T>G on the coding strand, the complement: HERC1 is on the minus strand). VCF-style: chr15-63698919-A-C. GRCh37 (hg19) VCF-style: chr15-63991118-A-C.
Other names: short protein forms S1572A.
Identifiers: ClinVar variation 445745 (VCV000445745.17), dbSNP rs16947363, ClinGen allele CA7605713.